The following is an entry in ClinVar:

ClinVar aggregate classification (germline): Uncertain significance (1 of 4 stars; one submission).

Conditions:
Amyotrophic lateral sclerosis type 15. Also called: AMYOTROPHIC LATERAL SCLEROSIS 15 WITH FRONTOTEMPORAL DEMENTIA. Identifiers: Orphanet 803, MedGen C3275459, MONDO:0010459, OMIM 300857.

Submission:

Labcorp Genetics (formerly Invitae), Labcorp
Classification: Uncertain significance for Amyotrophic lateral sclerosis type 15. Last evaluated: 2024-12-15. Review status: criteria provided, single submitter. Criteria: Invitae Variant Classification Sherloc (09022015). Collection method: clinical testing. Allele origin: germline.
Comment: This sequence change affects codon 382 of the UBQLN2 mRNA. It is a 'silent' change, meaning that it does not change the encoded amino acid sequence of the UBQLN2 protein. This variant is not present in population databases (gnomAD no frequency). This variant has not been reported in the literature in individuals affected with UBQLN2-related conditions. In summary, the available evidence is currently insufficient to determine the role of this variant in disease. Therefore, it has been classified as a Variant of Uncertain Significance.

NM_013444.4(UBQLN2):c.1144C>T (p.Leu382=)

Gene: UBQLN2 (ubiquilin 2; plus strand). Cytogenetic location: Xp11.21.
Variant type: single nucleotide variant.
Coding change: c.1144C>T on transcript NM_013444.4 (MANE Select); coding-DNA position 1144, C replaced by T.
Protein change: p.Leu382=; no amino-acid change (leucine 382 retained).
Molecular consequence: synonymous variant.
Genome position (GRCh38, 1-based): chrX:56,565,017, C>T. VCF-style: chrX-56565017-C-T. GRCh37 (hg19) VCF-style: chrX-56591450-C-T.
Identifiers: ClinVar variation 3611201 (VCV003611201.2).
Genomic context (GRCh38, chrX:56,565,017, plus strand): 5'-AGCATCTTTAGTACCCCAGGCATGCAGAGCCTGCTGCAACAGATAACTGAAAACCCCCAG[C>T]TGATTCAGAATATGCTGTCGGCGCCCTACATGAGAAGCATGATGCAGTCGCTGAGCCAGA-3'
Protein context (NP_038472.2, residues 372-392): LLQQITENPQ[Leu382=]IQNMLSAPYM